The following is an entry in ClinVar:

NM_201548.5(CERKL):c.197_200dup (p.Leu68fs)

Genes: CERKL (CERK like autophagy regulator; minus strand), LOC129935214 (ATAC-STARR-seq lymphoblastoid silent region 12157; plus strand). Cytogenetic location: 2q31.3.
Variant type: Microsatellite.
Coding change: c.197_200dup on transcript NM_201548.5 (MANE Select); coding-DNA positions 197 to 200, 4 bases duplicated (GAGC; older notation c.197_200dupGAGC).
Protein change: p.Leu68fs; shifts the reading frame from leucine 68.
Molecular consequence: frameshift variant. On other transcripts: non-coding transcript variant (2).
Genome position (GRCh38, 1-based): chr2:181,656,807-181,656,810, GCTC duplicated on the plus strand (GAGC on the coding strand, the reverse complement: CERKL is on the minus strand); duplicating any 4 consecutive bases within chr2:181,656,807-181,656,818 gives the same sequence; the c. name uses the placement nearest the transcript's 3' end. VCF-style (leftmost placement, unchanged base first): chr2-181656806-T-TGCTC. GRCh37 (hg19) VCF-style: chr2-182521533-T-TGCTC.
Other names: c.197_200dup, p.Leu68fs (NM_001030311.3, NM_001030312.3, NM_001030313.3 and 1 more transcripts); short protein forms L68fs.
Identifiers: ClinVar variation 2151952 (VCV002151952.5), dbSNP rs1210539710, ClinGen allele CA538438812.

ClinVar aggregate classification (germline): Pathogenic/Likely pathogenic. Review status: criteria provided, multiple submitters, no conflicts (2 of 4 stars). 2 submissions from 2 submitters: Pathogenic (1); Likely pathogenic (1). Last evaluated 2025-08-08.

Conditions:
CERKL-related disorders.

Submissions (2):

Labcorp Genetics (formerly Invitae), Labcorp
Classification: Pathogenic. Last evaluated: 2025-08-08. Review status: criteria provided, single submitter. Criteria: Invitae Variant Classification Sherloc (09022015). Collection method: clinical testing. Allele origin: germline.
Comment: This sequence change creates a premature translational stop signal (p.Leu68Serfs*15) in the CERKL gene. It is expected to result in an absent or disrupted protein product. Loss-of-function variants in CERKL are known to be pathogenic (PMID: 14681825, 23591405, 24043777). This variant is present in population databases (no rsID available, gnomAD 0.001%). This premature translational stop signal has been observed in individual(s) with CERKL-related conditions (PMID: 29555955). For these reasons, this variant has been classified as Pathogenic.

Blueprint Genetics
Classification: Likely pathogenic for CERKL-related disorders. Last evaluated: 2021-04-19. Review status: criteria provided, single submitter. Criteria: ACMG Guidelines, 2015. Collection method: clinical testing. Allele origin: germline. Affected: yes. Observed: 2 variant alleles.

Literature cited by the submitters: PubMed 14681825 (cited by Labcorp Genetics (formerly Invitae), Labcorp); PubMed 23591405 (cited by Labcorp Genetics (formerly Invitae), Labcorp); PubMed 24043777 (cited by Labcorp Genetics (formerly Invitae), Labcorp); PubMed 29555955 (cited by Labcorp Genetics (formerly Invitae), Labcorp).